The following is an entry in ClinVar:

ClinVar aggregate classification (germline): Uncertain significance (1 of 4 stars; one submission).

Conditions:
Hereditary cancer-predisposing syndrome. Also called: Neoplastic Syndromes, Hereditary; Tumor predisposition; Hereditary neoplastic syndrome; Hereditary Cancer Syndrome. Identifiers: Orphanet 140162, MedGen C0027672, MeSH D009386, MONDO:0015356.

Submission:

Ambry Genetics
Classification: Uncertain significance for Hereditary cancer-predisposing syndrome. Last evaluated: 2026-07-06. Review status: criteria provided, single submitter. Criteria: Ambry Variant Classification Scheme 2023. Collection method: clinical testing. Allele origin: germline.
Comment: The p.K159N variant (also known as c.477G>C), located in coding exon 3 of the FLCN gene, results from a G to C substitution at nucleotide position 477. The lysine at codon 159 is replaced by asparagine, an amino acid with similar properties. This amino acid position is conserved. In addition, the in silico prediction for this alteration is inconclusive. Based on the available evidence, the clinical significance of this variant remains unclear.

NM_144997.7(FLCN):c.477G>C (p.Lys159Asn)

Gene: FLCN (folliculin; minus strand). Cytogenetic location: 17p11.2.
Variant type: single nucleotide variant.
Coding change: c.477G>C on transcript NM_144997.7 (MANE Select); coding-DNA position 477, G replaced by C.
Protein change: p.Lys159Asn; replaces lysine 159 with asparagine.
Molecular consequence: missense variant.
Genome position (GRCh38, 1-based): chr17:17,224,063, C>G on the plus strand (G>C on the coding strand, the complement: FLCN is on the minus strand). VCF-style: chr17-17224063-C-G. GRCh37 (hg19) VCF-style: chr17-17127377-C-G.
Other names: c.531G>C, p.Lys177Asn (NM_001353229.2); c.477G>C, p.Lys159Asn (NM_001353230.2, NM_001353231.2, NM_144606.7); short protein forms K177N, K159N.
Identifiers: ClinVar variation 5021836 (VCV005021836.1).
Genomic context (GRCh38, chr17:17,224,063, plus strand): 5'-CCGGTCCATCATGATGGTGATGATGCTGTACCAGCGCTGGAAGCCCCTGGCCAGGCTGTC[C>G]TTGATGAAGAAGGTGTGGCTGAACACAAAGCCGTGCTGCTCATCTCCGAAGAAGATGGGG-3'
Protein context (NP_659434.2, residues 149-169): GFVFSHTFFI[Lys159Asn]DSLARGFQRW